The following is an entry in ClinVar:

ClinVar aggregate classification (germline): Uncertain significance (1 of 4 stars; one submission).

Conditions:
Familial meningioma. Also called: Meningioma, familial, susceptibility to. Identifiers: Orphanet 263662, MedGen C3551915, MONDO:0011789, OMIM 607174.

Allele frequency attached by ClinVar (database versions not stated): gnomAD exomes below 0.00001; TOPMed below 0.00001.
gnomAD v4.1: 1 of 1,614,060 alleles (0.000062%); highest among the groups gnomAD compares: East Asian, 0.0022%; no homozygotes.

Submission:

Labcorp Genetics (formerly Invitae), Labcorp
Classification: Uncertain significance for Familial meningioma. Last evaluated: 2019-07-17. Review status: criteria provided, single submitter. Criteria: Invitae Variant Classification Sherloc (09022015). Collection method: clinical testing. Allele origin: germline.
Comment: This sequence change replaces threonine with isoleucine at codon 193 of the SMARCE1 protein (p.Thr193Ile). The threonine residue is moderately conserved and there is a moderate physicochemical difference between threonine and isoleucine. This variant is not present in population databases (ExAC no frequency). This variant has not been reported in the literature in individuals with SMARCE1-related conditions. Algorithms developed to predict the effect of missense changes on protein structure and function are either unavailable or do not agree on the potential impact of this missense change (SIFT: "Tolerated"; PolyPhen-2: "Possibly Damaging"; Align-GVGD: "Class C0"). In summary, the available evidence is currently insufficient to determine the role of this variant in disease. Therefore, it has been classified as a Variant of Uncertain Significance.

NM_003079.5(SMARCE1):c.578C>T (p.Thr193Ile)

Gene: SMARCE1 (SWI/SNF related BAF chromatin remodeling complex subunit E1; minus strand). Cytogenetic location: 17q21.2.
Variant type: single nucleotide variant.
Coding change: c.578C>T on transcript NM_003079.5 (MANE Select); coding-DNA position 578, C replaced by T.
Protein change: p.Thr193Ile; replaces threonine 193 with isoleucine.
Molecular consequence: missense variant.
Genome position (GRCh38, 1-based): chr17:40,632,331, G>A on the plus strand (C>T on the coding strand, the complement: SMARCE1 is on the minus strand). VCF-style: chr17-40632331-G-A. GRCh37 (hg19) VCF-style: chr17-38788583-G-A.
Other names: short protein forms T193I.
Identifiers: ClinVar variation 936260 (VCV000936260.9), dbSNP rs1319163552, ClinGen allele CA399364831.
Genomic context (GRCh38, chr17:40,632,331, plus strand): 5'-GGCACCACACTCTCACTAAGAATTTCACTGATGAGGCGGTGGTTTCTCTGGAAACGGGCG[G>A]TGGCTGTATGCTTCATTGAAAAGCCATCATCATAATCTGGAGTGAACAAATTGTTCTGGA-3'
Protein context (NP_003070.3, residues 183-203): DDGFSMKHTA[Thr193Ile]ARFQRNHRLI